The following is an entry in ClinVar:

NM_033419.5(PGAP3):c.642G>A (p.Leu214=)

Gene: PGAP3 (post-GPI attachment to proteins phospholipase 3; minus strand). Cytogenetic location: 17q12.
Variant type: single nucleotide variant.
Coding change: c.642G>A on transcript NM_033419.5 (MANE Select); coding-DNA position 642, G replaced by A.
Protein change: p.Leu214=; no amino-acid change (leucine 214 retained).
Molecular consequence: synonymous variant. On other transcripts: intron variant (3).
Genome position (GRCh38, 1-based): chr17:39,673,566, C>T on the plus strand (G>A on the coding strand, the complement: PGAP3 is on the minus strand). VCF-style: chr17-39673566-C-T. GRCh37 (hg19) VCF-style: chr17-37829819-C-T.
Other names: c.489G>A, p.Leu163= (NM_001291726.2); c.579G>A, p.Leu193= (NM_001291728.2); c.433-700G>A (NM_001291733.2); c.494+427G>A (NM_001291732.2); c.557+427G>A (NM_001291730.2).
Identifiers: ClinVar variation 2080305 (VCV002080305.4), dbSNP rs936528016, ClinGen allele CA499889883.

ClinVar aggregate classification (germline): Uncertain significance (1 of 4 stars; one submission).

Allele frequency attached by ClinVar (database versions not stated): gnomAD exomes below 0.00001; gnomAD 0.00001.
gnomAD v4.1: 5 of 1,613,998 alleles (0.00031%); highest among the groups gnomAD compares: Admixed American, 0.0017%; no homozygotes.

Submission:

Labcorp Genetics (formerly Invitae), Labcorp
Classification: Uncertain significance. Last evaluated: 2025-02-03. Review status: criteria provided, single submitter. Criteria: Invitae Variant Classification Sherloc (09022015). Collection method: clinical testing. Allele origin: germline.
Comment: This sequence change affects codon 214 of the PGAP3 mRNA. It is a 'silent' change, meaning that it does not change the encoded amino acid sequence of the PGAP3 protein. This variant is not present in population databases (gnomAD no frequency). This variant has not been reported in the literature in individuals affected with PGAP3-related conditions. ClinVar contains an entry for this variant (Variation ID: 2080305). Algorithms developed to predict the effect of sequence changes on RNA splicing suggest that this variant may create or strengthen a splice site. In summary, the available evidence is currently insufficient to determine the role of this variant in disease. Therefore, it has been classified as a Variant of Uncertain Significance.